The following is an entry in ClinVar:

ClinVar aggregate classification (germline): Uncertain significance (1 of 4 stars; one submission).

Conditions:
KCNQ1OT1-related disorder. Also called: KCNQ1OT1-related condition.

gnomAD v4.1: 6 of 398,542 alleles (0.0015%); highest among the groups gnomAD compares: Admixed American, 0.0088%; no homozygotes.

Submission:

PreventionGenetics, part of Exact Sciences
Classification: Uncertain significance for KCNQ1OT1-related condition. Last evaluated: 2025-09-22. Review status: criteria provided, single submitter. Criteria: ACMG Guidelines, 2015. Collection method: clinical testing. Allele origin: germline.
Comment: The KCNQ1OT1 n.15182C>A is a noncoding alteration. To our knowledge, this variant has not been reported in the literature. This variant has been reported in 1 heterozygous individual within the 'other' subpopulation in gnomAD. At this time, the clinical significance of this variant is uncertain due to the absence of conclusive functional and genetic evidence.

NR_002728.4(KCNQ1OT1):n.15178C>A

Genes: KCNQ1 (potassium voltage-gated channel subfamily Q member 1; plus strand), KCNQ1OT1 (KCNQ1 opposite strand/antisense transcript 1; minus strand). Cytogenetic location: 11p15.5.
Variant type: single nucleotide variant.
Molecular consequence: non-coding transcript variant (on NR_002728.4). On other transcripts: intron variant (5).
Genome position: GRCh38 VCF-style: chr11-2684817-G-T. GRCh37 (hg19) VCF-style: chr11-2706047-G-T.
Other names: c.1244+22736G>T (NM_001406837.1); c.1514+22736G>T (NM_000218.3); c.1418+22736G>T (NM_001406836.1); c.974+22736G>T (NM_001406838.1); c.1133+22736G>T (NM_181798.2).
Identifiers: ClinVar variation 4983272 (VCV004983272.1).